The following is an entry in ClinVar:

ClinVar aggregate classification (germline): Likely benign. Review status: criteria provided, multiple submitters, no conflicts (2 of 4 stars). 2 submissions from 2 submitters: Likely benign (2). Last evaluated 2023-02-01.

Conditions:
Pontoneocerebellar hypoplasia. Also called: Non-syndromic pontocerebellar hypoplasia; Pontocerebellar hypoplasia. Identifiers: Orphanet 98523, MedGen C1261175, MONDO:0020135.

Allele frequency attached by ClinVar (database versions not stated): 1000 Genomes Project 30x 0.00062; 1000 Genomes Project 0.00080; TOPMed 0.00365; gnomAD 0.00414 and 0.00428.

Submissions (2):

CeGaT Center for Human Genetics Tuebingen
Classification: Likely benign. Last evaluated: 2023-02-01. Review status: criteria provided, single submitter. Criteria: CeGaT Center For Human Genetics Tuebingen Variant Classification Criteria Version 2. Collection method: clinical testing. Allele origin: germline. Affected: yes. Observed: 4 variant alleles.
Comment: CTD-3093M3.1: BS2; TSEN34: BS2

Illumina Laboratory Services, Illumina
Classification: Likely benign for Pontoneocerebellar hypoplasia. Last evaluated: 2018-01-13. Review status: criteria provided, single submitter. Criteria: ICSL Variant Classification Criteria 13 December 2019. Collection method: clinical testing. Allele origin: germline.
Comment: This variant was observed in the ICSL laboratory as part of a predisposition screen in an ostensibly healthy population. It had not been previously curated by ICSL or reported in the Human Gene Mutation Database (HGMD: prior to June 1st, 2018), and was therefore a candidate for classification through an automated scoring system. Utilizing variant allele frequency, disease prevalence and penetrance estimates, and inheritance mode, an automated score was calculated to assess if this variant is too frequent to cause the disease. Based on the score and internal cut-off values, a variant classified as likely benign is not then subjected to further curation. The score for this variant resulted in a classification of likely benign for this disease.

NM_001077446.4(TSEN34):c.*1053G>A

Gene: TSEN34 (tRNA splicing endonuclease subunit 34; plus strand). Cytogenetic location: 19q13.42.
Variant type: single nucleotide variant.
Coding change: c.*1053G>A on transcript NM_001077446.4 (MANE Select); 1053 bases downstream of the stop codon, G replaced by A.
Molecular consequence: 3 prime UTR variant.
Genome position (GRCh38, 1-based): chr19:54,194,415, G>A. VCF-style: chr19-54194415-G-A. GRCh37 (hg19) VCF-style: chr19-54698273-G-A.
Other names: c.*1053G>A (NM_001282332.2, NM_001386740.1, NM_024075.5); c.*744G>A (NM_001282333.2).
Identifiers: ClinVar variation 330148 (VCV000330148.28), dbSNP rs182704571, ClinGen allele CA309378146.